The following is an entry in ClinVar:

ClinVar aggregate classification (germline): Uncertain significance. Review status: criteria provided, multiple submitters, no conflicts (2 of 4 stars). 4 submissions from 4 submitters: Uncertain significance (3). 1 of the submissions does not count toward it. Last evaluated 2025-01-08.

Conditions:
Inborn genetic diseases. Identifiers: MedGen C0950123, MeSH D030342.
Usher syndrome type 1 (USH1). Also called: RETINITIS PIGMENTOSA AND CONGENITAL DEAFNESS. Identifiers: Orphanet 231169, Orphanet 886, MedGen C1568247, MONDO:0010168, OMIM 276900.

Allele frequency attached by ClinVar (database versions not stated): gnomAD 0.00001; TOPMed 0.00002.
gnomAD v4.1: 1 of 1,613,846 alleles (0.000062%); highest among the groups gnomAD compares: African/African-American, 0.0013%; no homozygotes.

Submissions (4):

Ambry Genetics
Classification: Uncertain significance for Inborn genetic diseases. Last evaluated: 2025-01-08. Review status: criteria provided, single submitter. Criteria: Ambry Variant Classification Scheme 2023. Collection method: clinical testing. Allele origin: germline.

Blueprint Genetics
Classification: Uncertain significance. Last evaluated: 2022-09-01. Review status: criteria provided, single submitter. Criteria: ACMG Guidelines, 2015. Collection method: clinical testing. Allele origin: germline.

Labcorp Genetics (formerly Invitae), Labcorp
Classification: Uncertain significance. Last evaluated: 2021-08-24. Review status: criteria provided, single submitter. Criteria: Invitae Variant Classification Sherloc (09022015). Collection method: clinical testing. Allele origin: germline.
Comment: This sequence change replaces aspartic acid with asparagine at codon 2114 of the CDH23 protein (p.Asp2114Asn). The aspartic acid residue is highly conserved and there is a small physicochemical difference between aspartic acid and asparagine. This variant is not present in population databases (ExAC no frequency). This variant has not been reported in the literature in individuals affected with CDH23-related conditions. Algorithms developed to predict the effect of missense changes on protein structure and function are either unavailable or do not agree on the potential impact of this missense change (SIFT: "Deleterious"; PolyPhen-2: "Not Available"; Align-GVGD: "Class C15"). In summary, the available evidence is currently insufficient to determine the role of this variant in disease. Therefore, it has been classified as a Variant of Uncertain Significance.

Natera, Inc.
Classification: Uncertain significance for Usher syndrome type 1. Last evaluated: 2020-02-13. Review status: no assertion criteria provided. Collection method: clinical testing. Allele origin: germline. Not counted in ClinVar's aggregate classification.

NM_022124.6(CDH23):c.6340G>A (p.Asp2114Asn)

Gene: CDH23 (cadherin related 23; plus strand). Cytogenetic location: 10q22.1.
Variant type: single nucleotide variant.
Coding change: c.6340G>A on transcript NM_022124.6 (MANE Select); coding-DNA position 6340, G replaced by A.
Protein change: p.Asp2114Asn; replaces aspartic acid 2114 with asparagine.
Molecular consequence: missense variant.
Genome position (GRCh38, 1-based): chr10:71,793,268, G>A. VCF-style: chr10-71793268-G-A. GRCh37 (hg19) VCF-style: chr10-73553025-G-A.
Other names: c.6340G>A (NM_022124.5); short protein forms D2114N.
Identifiers: ClinVar variation 1015020 (VCV001015020.9), dbSNP rs977083222, ClinGen allele CA209466006.